The following is an entry in ClinVar:

ClinVar aggregate classification (germline): Benign. Review status: criteria provided, single submitter (1 of 4 stars). 2 submissions from 2 submitters: Benign (1). 1 of the submissions does not count toward it. Last evaluated 2025-08-15.

Conditions:
NNT-related disorder. Also called: NNT-related condition.

Allele frequency attached by ClinVar (database versions not stated): gnomAD 0.00010 and 0.00006; 1000 Genomes Project 30x 0.00078; 1000 Genomes Project 0.00100; TOPMed 0.00009.
gnomAD v4.1: 107 of 1,613,478 alleles (0.0066%); highest among the groups gnomAD compares: East Asian, 0.23%; 2 homozygotes.

Submissions (2):

Labcorp Genetics (formerly Invitae), Labcorp
Classification: Benign. Last evaluated: 2025-08-15. Review status: criteria provided, single submitter. Criteria: Invitae Variant Classification Sherloc (09022015). Collection method: clinical testing. Allele origin: germline.

PreventionGenetics, part of Exact Sciences
Classification: Likely benign for NNT-related condition. Last evaluated: 2019-09-19. Review status: no assertion criteria provided. Collection method: clinical testing. Allele origin: germline. Not counted in ClinVar's aggregate classification.
Comment: This variant is classified as likely benign based on ACMG/AMP sequence variant interpretation guidelines (Richards et al. 2015 PMID: 25741868, with internal and published modifications).

NM_182977.3(NNT):c.2317C>T (p.Leu773=)

Gene: NNT (nicotinamide nucleotide transhydrogenase; plus strand). Cytogenetic location: 5p12.
Variant type: single nucleotide variant.
Coding change: c.2317C>T on transcript NM_182977.3 (MANE Select); coding-DNA position 2317, C replaced by T.
Protein change: p.Leu773=; no amino-acid change (leucine 773 retained).
Molecular consequence: synonymous variant.
Genome position (GRCh38, 1-based): chr5:43,656,676, C>T. VCF-style: chr5-43656676-C-T. GRCh37 (hg19) VCF-style: chr5-43656778-C-T.
Other names: c.1924C>T, p.Leu642= (NM_001331026.2); c.2317C>T, p.Leu773= (NM_012343.4).
Identifiers: ClinVar variation 767356 (VCV000767356.7), dbSNP rs190213776, ClinGen allele CA3258212.